The following is an entry in ClinVar:

NM_003072.5(SMARCA4):c.2071C>G (p.Pro691Ala)

Gene: SMARCA4 (SWI/SNF related BAF chromatin remodeling complex subunit ATPase 4; plus strand). Cytogenetic location: 19p13.2.
Variant type: single nucleotide variant.
Coding change: c.2071C>G on transcript NM_003072.5 (MANE Select); coding-DNA position 2071, C replaced by G.
Protein change: p.Pro691Ala; replaces proline 691 with alanine.
Molecular consequence: missense variant. On other transcripts: non-coding transcript variant (1).
Genome position (GRCh38, 1-based): chr19:11,007,971, C>G. VCF-style: chr19-11007971-C-G. GRCh37 (hg19) VCF-style: chr19-11118647-C-G.
Other names: c.2071C>G, p.Pro691Ala (NM_001128844.3, NM_001128845.2, NM_001128846.2 and 4 more transcripts); short protein forms P691A.
Identifiers: ClinVar variation 820637 (VCV000820637.5), dbSNP rs1600168175, ClinGen allele CA404052512.
Genomic context (GRCh38, chr19:11,007,971, plus strand): 5'-GAAGAGCAGCCGCAGGCAGCACAGCCTCCCACCCTGCCCGTGGAGGAGAAGAAGAAGATT[C>G]CAGATCCAGACAGCGATGACGTCTCTGAGGTGGACGCGCGGCACATCATTGAGTAAGGGG-3'
Protein context (NP_003063.2, residues 681-701): TLPVEEKKKI[Pro691Ala]DPDSDDVSEV

ClinVar aggregate classification (germline): Uncertain significance (1 of 4 stars; one submission).

Conditions:
Hereditary cancer-predisposing syndrome. Also called: Neoplastic Syndromes, Hereditary; Tumor predisposition; Hereditary Cancer Syndrome; Hereditary neoplastic syndrome. Identifiers: Orphanet 140162, MedGen C0027672, MeSH D009386, MONDO:0015356.

Submission:

Ambry Genetics
Classification: Uncertain significance for Hereditary cancer-predisposing syndrome. Last evaluated: 2025-07-11. Review status: criteria provided, single submitter. Criteria: Ambry Variant Classification Scheme 2023. Collection method: clinical testing. Allele origin: germline.
Comment: The p.P691A variant (also known as c.2071C>G), located in coding exon 13 of the SMARCA4 gene, results from a C to G substitution at nucleotide position 2071. The proline at codon 691 is replaced by alanine, an amino acid with highly similar properties. This amino acid position is not well conserved in available vertebrate species. In addition, this alteration is predicted to be tolerated by in silico analysis. Based on the available evidence, the clinical significance of this variant remains unclear.